The following is an entry in ClinVar:

ClinVar aggregate classification (germline): Uncertain significance. Review status: criteria provided, single submitter (1 of 4 stars). 2 submissions from 2 submitters: Uncertain significance (1). 1 of the submissions does not count toward it. Last evaluated 2019-03-04.

Conditions:
KCND3-related disorder. Also called: KCND3-related condition.
Spinocerebellar ataxia type 19/22 (SCA19). Also called: SPINOCEREBELLAR ATAXIA 19; SPINOCEREBELLAR ATAXIA 22. Identifiers: Orphanet 98772, MedGen C1846367, MONDO:0011819, OMIM 607346.

Submissions (2):

Labcorp Genetics (formerly Invitae), Labcorp
Classification: Uncertain significance for Spinocerebellar ataxia type 19/22. Last evaluated: 2019-03-04. Review status: criteria provided, single submitter. Criteria: Invitae Variant Classification Sherloc (09022015). Collection method: clinical testing. Allele origin: germline.
Comment: In summary, the available evidence is currently insufficient to determine the role of this variant in disease. Therefore, it has been classified as a Variant of Uncertain Significance. Algorithms developed to predict the effect of missense changes on protein structure and function are either unavailable or do not agree on the potential impact of this missense change (SIFT: "Deleterious"; PolyPhen-2: "Benign"; Align-GVGD: "Class C0"). This variant has not been reported in the literature in individuals with KCND3-related conditions. This variant is not present in population databases (ExAC no frequency). This sequence change replaces aspartic acid with asparagine at codon 150 of the KCND3 protein (p.Asp150Asn). The aspartic acid residue is highly conserved and there is a small physicochemical difference between aspartic acid and asparagine.

PreventionGenetics, part of Exact Sciences
Classification: Uncertain significance for KCND3-related condition. Last evaluated: 2024-03-22. Review status: no assertion criteria provided. Collection method: clinical testing. Allele origin: germline. Not counted in ClinVar's aggregate classification.
Comment: The KCND3 c.448G>A variant is predicted to result in the amino acid substitution p.Asp150Asn. To our knowledge, this variant has not been reported in the literature or in a large population database, indicating this variant is rare. At this time, the clinical significance of this variant is uncertain due to the absence of conclusive functional and genetic evidence.

NM_001378969.1(KCND3):c.448G>A (p.Asp150Asn)

Gene: KCND3 (potassium voltage-gated channel subfamily D member 3; minus strand). Cytogenetic location: 1p13.2.
Variant type: single nucleotide variant.
Coding change: c.448G>A on transcript NM_001378969.1 (MANE Select); coding-DNA position 448, G replaced by A.
Protein change: p.Asp150Asn; replaces aspartic acid 150 with asparagine.
Molecular consequence: missense variant.
Genome position (GRCh38, 1-based): chr1:111,982,279, C>T on the plus strand (G>A on the coding strand, the complement: KCND3 is on the minus strand). VCF-style: chr1-111982279-C-T. GRCh37 (hg19) VCF-style: chr1-112524901-C-T.
Other names: c.448G>A, p.Asp150Asn (NM_001378970.1, NM_004980.5, NM_172198.3); short protein forms D150N.
Identifiers: ClinVar variation 838739 (VCV000838739.10), dbSNP rs1488410733, ClinGen allele CA341822121.
Genomic context (GRCh38, chr1:111,982,279, plus strand): 5'-ACATGGTCTGGCGGAAGCTGAGCGAGGGCATGGACTCCTGGTTGTTCTCCGAGTCGTTGT[C>T]GTCCATGAGCCGCTCGGCGTTCTCCCTCTTGCGGTCCTTGTACTCCTCGTAGCAGCAGTC-3'
Protein context (NP_001365898.1, residues 140-160): KRENAERLMD[Asp150Asn]NDSENNQESM